The following is an entry in ClinVar:

NM_001135649.3(FOXI3):c.200C>G (p.Ala67Gly)

Gene: FOXI3 (forkhead box I3; minus strand). Cytogenetic location: 2p11.2.
Variant type: single nucleotide variant.
Coding change: c.200C>G on transcript NM_001135649.3 (MANE Select); coding-DNA position 200, C replaced by G.
Protein change: p.Ala67Gly; replaces alanine 67 with glycine.
Molecular consequence: missense variant.
Genome position (GRCh38, 1-based): chr2:88,452,336, G>C on the plus strand (C>G on the coding strand, the complement: FOXI3 is on the minus strand). VCF-style: chr2-88452336-G-C. GRCh37 (hg19) VCF-style: chr2-88751854-G-C.
Other names: short protein forms A67G.
Identifiers: ClinVar variation 3373501 (VCV003373501.1).

ClinVar aggregate classification (germline): Uncertain significance (1 of 4 stars; one submission).

Submission:

GeneDx
Classification: Uncertain significance. Last evaluated: 2024-03-04. Review status: criteria provided, single submitter. Criteria: GeneDx Variant Classification Process June 2021. Collection method: clinical testing. Allele origin: germline. Affected: yes.
Comment: Not observed at significant frequency in large population cohorts (gnomAD); In silico analysis supports that this missense variant does not alter protein structure/function; Has not been previously published as pathogenic or benign to our knowledge